The following is an entry in ClinVar:

NM_000132.4(F8):c.979C>G (p.Leu327Val)

Gene: F8 (coagulation factor VIII; minus strand). Cytogenetic location: Xq28.
Variant type: single nucleotide variant.
Coding change: c.979C>G on transcript NM_000132.4 (MANE Select); coding-DNA position 979, C replaced by G.
Protein change: p.Leu327Val; replaces leucine 327 with valine.
Molecular consequence: missense variant.
Genome position (GRCh38, 1-based): chrX:154,969,361, G>C on the plus strand (C>G on the coding strand, the complement: F8 is on the minus strand). VCF-style: chrX-154969361-G-C. GRCh37 (hg19) VCF-style: chrX-154197636-G-C.
Other names: NM_000132.3(F8):c.979C>G; p.Leu327Val; short protein forms L327V.
Identifiers: ClinVar variation 627165 (VCV000627165.6), dbSNP rs1603435395, ClinGen allele CA414917679.
Genomic context (GRCh38, chrX:154,969,361, plus strand): 5'-AATATTCATTTTAAAGATCCAAGATATTACCATGTTGGTGGGAAGAGATATGACAAAACA[G>C]TAGAAACTGTCCAAGGTCCATCAAGAGTGTTTGAGCAGTAAGGAAAGTTATTGGCGAGAT-3'
Protein context (NP_000123.1, residues 317-337): TLLMDLGQFL[Leu327Val]FCHISSHQHD

ClinVar aggregate classification (germline): Pathogenic. Review status: reviewed by expert panel (3 of 4 stars). 4 submissions from 4 submitters: Pathogenic (1). 3 of the submissions do not count toward it. Last evaluated 2024-02-02.

Conditions:
F8-related disorder. Also called: F8-related condition.
Hereditary factor VIII deficiency disease (HEMA). Also called: Hemophilia A, congenital; HEM A; Factor 8 deficiency, congenital; HEMOPHILIA, CLASSIC; Hemophilia A; AUTOSOMAL HEMOPHILIA A. Identifiers: Orphanet 98878, MedGen C0019069, MONDO:0010602, OMIM 306700.
Hereditary factor IX deficiency disease (HEMB). Also called: Hemophilia B; F9 DEFICIENCY; FACTOR IX DEFICIENCY; PLASMA THROMBOPLASTIN COMPONENT DEFICIENCY; Christmas Disease. Identifiers: Orphanet 98879, MedGen C0008533, MeSH D002836, MONDO:0010604, OMIM 306900.

Allele frequency attached by ClinVar (database versions not stated): gnomAD exomes 0.00001.
gnomAD v4.1: 7 of 1,211,090 alleles (0.00058%); highest among the groups gnomAD compares: Non-Finnish European, 0.00078%; no homozygotes.

Submissions (4):

ClinGen Coagulation Factor Deficiency Variant Curation Expert Panel, Clingen
Classification: Pathogenic for Hereditary factor VIII deficiency disease. Last evaluated: 2024-02-02. Review status: reviewed by expert panel. Criteria: ClinGen CoagFactor ACMG Specifications F8 V1.0.0. Collection method: curation. Allele origin: germline. Inheritance: X-linked inheritance.
Comment: The c.979C>G (p.Leu327Val) variant is absent from males in population databases (gnomAD v2.1.1/gnomAD v3) meeting PM2_Supporting. This missense variant has a REVEL score of 0.657 (>0.6) and meets criteria for PP3. At least 8 probands reported with mild hemophilia A (PMID: 18691168, PMID: 11857744, PMID: 29296726, PMID: 31064749, PMID: 20860608 and internal VCEP data) meeting F8 phenotype criteria. In summary, this variant meets criteria to be classified as pathogenic. ACMG/AMP criteria applied, as specified by the Coagulation Factor Deficiency Variant Curation Expert Panel for F8/F9: PS4_Very strong, PP3, PM2_Supporting.

PreventionGenetics, part of Exact Sciences
Classification: Likely pathogenic for F8-related condition. Last evaluated: 2023-08-31. Review status: criteria provided, single submitter. Criteria: ACMG Guidelines, 2015. Collection method: clinical testing. Allele origin: germline. Not counted in ClinVar's aggregate classification.
Comment: The F8 c.979C>G variant is predicted to result in the amino acid substitution p.Leu327Val. This variant (also reported as L308V) has reported in individuals with mild Hemophilia A (Table 3, Cutler et al. 2002. PubMed ID: 11857744; ; segregation with an affected uncle in Siddiq et al. 2011. PubMed ID: 20860608; Supplemental Table 3, Downes et al. 2019. PubMed ID: 31064749). This variant has not been reported in a large population database, indicating this variant is rare. This variant is interpreted as likely pathogenic.

Women's Health and Genetics/Laboratory Corporation of America, LabCorp
Classification: Likely pathogenic for Hereditary factor VIII deficiency disease. Last evaluated: 2023-05-30. Review status: criteria provided, single submitter. Criteria: LabCorp Variant Classification Summary - May 2015. Collection method: clinical testing. Allele origin: germline. Not counted in ClinVar's aggregate classification.
Comment: Variant summary: F8 c.979C>G (p.Leu327Val) results in a conservative amino acid change located in the Multicopper oxidase, second cupredoxin domain (IPR001117) of the encoded protein sequence. Three of five in-silico tools predict a benign effect of the variant on protein function. The variant was absent in 183107 control chromosomes. c.979C>G has been reported in the literature in individuals affected with features of mild Factor VIII Deficiency (Haemophilia A) and in settings of comprehensive multigene panel testing for bleeding, thrombotic, and platelet disorders (example, Cutler_2002, Green_2008, Siddiq_2011, Miller_2012, Downes_2019). These data indicate that the variant is likely to be associated with disease. To our knowledge, no experimental evidence demonstrating an impact on protein function has been reported. p.Leu327Arg; p.Leu327Gln and p.Leu327Pro have been listed in association with Haemophilia A in HGMD database. The following publications have been ascertained in the context of this evaluation (PMID: 11857744, 31064749, 18691168, 22103590, 20860608). One clinical diagnostic laboratory has submitted clinical-significance assessments for this variant to ClinVar after 2014 and classified the variant as pathogenic. Based on the evidence outlined above, the variant was classified as likely pathogenic.

NIHR Bioresource Rare Diseases, University of Cambridge
Classification: Pathogenic for Hereditary factor IX deficiency disease. Last evaluated: 2019-02-01. Review status: criteria provided, single submitter. Criteria: ACMG Guidelines, 2015. Collection method: research. Allele origin: unknown. Affected: yes. Observed: 1 hemizygote. Study: ThromboGenomics. Not counted in ClinVar's aggregate classification.

Literature cited by the submitters: PubMed 31064749 (cited by Women's Health and Genetics/Laboratory Corporation of America, LabCorp and NIHR Bioresource Rare Diseases, University of Cambridge); PubMed 11857744 (cited by Women's Health and Genetics/Laboratory Corporation of America, LabCorp); PubMed 18691168 (cited by Women's Health and Genetics/Laboratory Corporation of America, LabCorp); PubMed 22103590 (cited by Women's Health and Genetics/Laboratory Corporation of America, LabCorp); PubMed 20860608 (cited by Women's Health and Genetics/Laboratory Corporation of America, LabCorp).